The following is an entry in ClinVar:

ClinVar aggregate classification (germline): Uncertain significance. Review status: criteria provided, multiple submitters, no conflicts (2 of 4 stars). 2 submissions from 2 submitters: Uncertain significance (2). Last evaluated 2025-01-12.

Conditions:
Distal myopathy with posterior leg and anterior hand involvement. Also called: WILLIAMS DISTAL MYOPATHY. Identifiers: Orphanet 63273, MedGen C3279722, MONDO:0013550, OMIM 614065.
Myofibrillar myopathy 5. Also called: Filaminopathy (type); FILAMINOPATHY, AUTOSOMAL DOMINANT. Identifiers: Orphanet 171445, MedGen C1836050, MONDO:0012289, OMIM 609524.
Hypertrophic cardiomyopathy 26. Also called: Cardiomyopathy, familial hypertrophic, 26. Identifiers: Orphanet 75249, MedGen C4310749, MONDO:0014883, OMIM 617047.
Cardiovascular phenotype. Identifiers: MedGen CN230736.

Allele frequency attached by ClinVar (database versions not stated): gnomAD 0.00001.
gnomAD v4.1: 1 of 1,613,040 alleles (0.000062%); highest among the groups gnomAD compares: African/African-American, 0.0013%; no homozygotes.

Submissions (2):

Labcorp Genetics (formerly Invitae), Labcorp
Classification: Uncertain significance for Distal myopathy with posterior leg and anterior hand involvement; Myofibrillar myopathy 5; Hypertrophic cardiomyopathy 26. Last evaluated: 2025-01-12. Review status: criteria provided, single submitter. Criteria: Invitae Variant Classification Sherloc (09022015). Collection method: clinical testing. Allele origin: germline.
Comment: This sequence change replaces lysine, which is basic and polar, with arginine, which is basic and polar, at codon 51 of the FLNC protein (p.Lys51Arg). This variant is not present in population databases (gnomAD no frequency). This variant has not been reported in the literature in individuals affected with FLNC-related conditions. ClinVar contains an entry for this variant (Variation ID: 1060147). Invitae Evidence Modeling of protein sequence and biophysical properties (such as structural, functional, and spatial information, amino acid conservation, physicochemical variation, residue mobility, and thermodynamic stability) has been performed for this missense variant. However, the output from this modeling did not meet the statistical confidence thresholds required to predict the impact of this variant on FLNC protein function. In summary, the available evidence is currently insufficient to determine the role of this variant in disease. Therefore, it has been classified as a Variant of Uncertain Significance.

Ambry Genetics
Classification: Uncertain significance for Cardiovascular phenotype. Last evaluated: 2022-08-30. Review status: criteria provided, single submitter. Criteria: Ambry Variant Classification Scheme 2023. Collection method: clinical testing. Allele origin: germline.
Comment: The p.K51R variant (also known as c.152A>G), located in coding exon 1 of the FLNC gene, results from an A to G substitution at nucleotide position 152. The lysine at codon 51 is replaced by arginine, an amino acid with highly similar properties. This amino acid position is conserved. In addition, this alteration is predicted to be tolerated by in silico analysis. Since supporting evidence is limited at this time, the clinical significance of this alteration remains unclear.

NM_001458.5(FLNC):c.152A>G (p.Lys51Arg)

Gene: FLNC (filamin C; plus strand). Cytogenetic location: 7q32.1.
Variant type: single nucleotide variant.
Coding change: c.152A>G on transcript NM_001458.5 (MANE Select); coding-DNA position 152, A replaced by G.
Protein change: p.Lys51Arg; replaces lysine 51 with arginine.
Molecular consequence: missense variant.
Genome position (GRCh38, 1-based): chr7:128,830,789, A>G. VCF-style: chr7-128830789-A-G. GRCh37 (hg19) VCF-style: chr7-128470843-A-G.
Other names: c.152A>G, p.Lys51Arg (NM_001127487.2); short protein forms K51R.
Identifiers: ClinVar variation 1060147 (VCV001060147.11), dbSNP rs1807854319, ClinGen allele CA369216075.